The following is an entry in ClinVar:

NM_020461.4(TUBGCP6):c.3302G>A (p.Arg1101Gln)

Gene: TUBGCP6 (tubulin gamma complex component 6; minus strand). Cytogenetic location: 22q13.33.
Variant type: single nucleotide variant.
Coding change: c.3302G>A on transcript NM_020461.4 (MANE Select); coding-DNA position 3302, G replaced by A.
Protein change: p.Arg1101Gln; replaces arginine 1101 with glutamine.
Molecular consequence: missense variant.
Genome position (GRCh38, 1-based): chr22:50,221,057, C>T on the plus strand (G>A on the coding strand, the complement: TUBGCP6 is on the minus strand). VCF-style: chr22-50221057-C-T. GRCh37 (hg19) VCF-style: chr22-50659486-C-T.
Other names: c.3302G>A (NM_020461.3); short protein forms R1101Q.
Identifiers: ClinVar variation 1504904 (VCV001504904.7), dbSNP rs540077182, ClinGen allele CA10307992.

ClinVar aggregate classification (germline): Uncertain significance. Review status: criteria provided, multiple submitters, no conflicts (2 of 4 stars). 2 submissions from 2 submitters: Uncertain significance (2). Last evaluated 2025-08-11.

Conditions:
Inborn genetic diseases. Identifiers: MedGen C0950123, MeSH D030342.

Allele frequency attached by ClinVar (database versions not stated): gnomAD 0.00001; gnomAD exomes 0.00001 and 0.00002; TOPMed 0.00001; ExAC 0.00002; 1000 Genomes Project 30x 0.00016; 1000 Genomes Project 0.00020.
gnomAD v4.1: 10 of 1,612,354 alleles (0.00062%); highest among the groups gnomAD compares: Admixed American, 0.005%; no homozygotes.

Submissions (2):

Ambry Genetics
Classification: Uncertain significance for Inborn genetic diseases. Last evaluated: 2025-08-11. Review status: criteria provided, single submitter. Criteria: Ambry Variant Classification Scheme 2023. Collection method: clinical testing. Allele origin: germline.

Labcorp Genetics (formerly Invitae), Labcorp
Classification: Uncertain significance. Last evaluated: 2022-09-27. Review status: criteria provided, single submitter. Criteria: Invitae Variant Classification Sherloc (09022015). Collection method: clinical testing. Allele origin: germline.
Comment: In summary, the available evidence is currently insufficient to determine the role of this variant in disease. Therefore, it has been classified as a Variant of Uncertain Significance. Algorithms developed to predict the effect of sequence changes on RNA splicing suggest that this variant may create or strengthen a splice site. Algorithms developed to predict the effect of missense changes on protein structure and function (SIFT, PolyPhen-2, Align-GVGD) all suggest that this variant is likely to be tolerated. ClinVar contains an entry for this variant (Variation ID: 1504904). This variant has not been reported in the literature in individuals affected with TUBGCP6-related conditions. This variant is present in population databases (rs540077182, gnomAD 0.01%). This sequence change replaces arginine, which is basic and polar, with glutamine, which is neutral and polar, at codon 1101 of the TUBGCP6 protein (p.Arg1101Gln).